The following is an entry in ClinVar:

ClinVar aggregate classification (germline): Pathogenic (1 of 4 stars; one submission).

Conditions:
Adams-Oliver syndrome 5 (AOS5). Identifiers: Orphanet 974, MedGen C4014970, MONDO:0014459, OMIM 616028.

Submission:

Labcorp Genetics (formerly Invitae), Labcorp
Classification: Pathogenic for Adams-Oliver syndrome 5. Last evaluated: 2024-09-19. Review status: criteria provided, single submitter. Criteria: Invitae Variant Classification Sherloc (09022015). Collection method: clinical testing. Allele origin: germline.
Comment: This sequence change creates a premature translational stop signal (p.Trp1487Leufs*16) in the NOTCH1 gene. It is expected to result in an absent or disrupted protein product. Loss-of-function variants in NOTCH1 are known to be pathogenic (PMID: 16025100, 21457232, 25132448, 25963545, 32720365, 33630301). This variant is not present in population databases (gnomAD no frequency). This variant has not been reported in the literature in individuals affected with NOTCH1-related conditions. For these reasons, this variant has been classified as Pathogenic.

Literature cited by the submitters: PubMed 16025100; PubMed 21457232; PubMed 25132448; PubMed 25963545; PubMed 32720365; PubMed 33630301.

NM_017617.5(NOTCH1):c.4458dup (p.Trp1487fs)

Gene: NOTCH1 (notch receptor 1; minus strand). Cytogenetic location: 9q34.3.
Variant type: Duplication.
Coding change: c.4458dup on transcript NM_017617.5 (MANE Select); coding-DNA position 4458, one base duplicated (C; older notation c.4458dupC).
Protein change: p.Trp1487fs; shifts the reading frame from tryptophan 1487.
Molecular consequence: frameshift variant.
Genome position (GRCh38, 1-based): chr9:136,505,438, G duplicated on the plus strand (C on the coding strand, the reverse complement: NOTCH1 is on the minus strand); the first of 4 consecutive G bases (chr9:136,505,438-136,505,441); duplicating any one gives the same sequence. VCF-style (leftmost placement, unchanged base first): chr9-136505437-A-AG. GRCh37 (hg19) VCF-style: chr9-139399889-A-AG.
Other names: short protein forms W1487fs.
Identifiers: ClinVar variation 3719865 (VCV003719865.2).
Genomic context (GRCh38, chr9:136,505,437, plus strand): 5'-TGTCACAGTGGCCGTCACTGAAGTACTTCCAGCACTGCAGAGACTGCGTGCAGTTCTTCC[A>AG]GGGGTCATTGAAGTTGAGGGAGCAGTCACCGCCGTCCCAGCCGCACGCGTGGTTGTTGCA-3'